The following is an entry in ClinVar:

NM_000440.3(PDE6A):c.2253G>A (p.Thr751=)

Gene: PDE6A (phosphodiesterase 6A; minus strand). Cytogenetic location: 5q32.
Variant type: single nucleotide variant.
Coding change: c.2253G>A on transcript NM_000440.3 (MANE Select); coding-DNA position 2253, G replaced by A.
Protein change: p.Thr751=; no amino-acid change (threonine 751 retained).
Molecular consequence: synonymous variant.
Genome position (GRCh38, 1-based): chr5:149,867,746, C>T on the plus strand (G>A on the coding strand, the complement: PDE6A is on the minus strand). VCF-style: chr5-149867746-C-T. GRCh37 (hg19) VCF-style: chr5-149247309-C-T.
Other names: c.2253G>A (NM_000440.2).
Identifiers: ClinVar variation 1547090 (VCV001547090.10), dbSNP rs772097551, ClinGen allele CA3504350.

ClinVar aggregate classification (germline): Likely benign. Review status: criteria provided, multiple submitters, no conflicts (2 of 4 stars). 3 submissions from 3 submitters: Likely benign (3). Last evaluated 2025-07-05.

Conditions:
PDE6A-related disorder. Also called: PDE6A-related condition.

Allele frequency attached by ClinVar (database versions not stated): gnomAD exomes 0.00001; ExAC 0.00002; gnomAD 0.00003; TOPMed 0.00003.
gnomAD v4.1: 42 of 1,613,764 alleles (0.0026%); highest among the groups gnomAD compares: Admixed American, 0.0033%; no homozygotes.

Submissions (3):

PreventionGenetics, part of Exact Sciences
Classification: Likely benign for PDE6A-related condition. Last evaluated: 2025-07-05. Review status: criteria provided, single submitter. Criteria: ACMG Guidelines, 2015. Collection method: clinical testing. Allele origin: germline.
Comment: This variant is classified as likely benign based on ACMG/AMP sequence variant interpretation guidelines (Richards et al. 2015 PMID: 25741868, with internal and published modifications).

Labcorp Genetics (formerly Invitae), Labcorp
Classification: Likely benign. Last evaluated: 2024-02-23. Review status: criteria provided, single submitter. Criteria: Invitae Variant Classification Sherloc (09022015). Collection method: clinical testing. Allele origin: germline.

Blueprint Genetics
Classification: Likely benign. Last evaluated: 2022-08-18. Review status: criteria provided, single submitter. Criteria: ACMG Guidelines, 2015. Collection method: clinical testing. Allele origin: germline.